The following is an entry in ClinVar:

NM_001035.3(RYR2):c.5060A>C (p.Tyr1687Ser)

Gene: RYR2 (ryanodine receptor 2; plus strand). Cytogenetic location: 1q43.
Variant type: single nucleotide variant.
Coding change: c.5060A>C on transcript NM_001035.3 (MANE Select); coding-DNA position 5060, A replaced by C.
Protein change: p.Tyr1687Ser; replaces tyrosine 1687 with serine.
Molecular consequence: missense variant.
Genome position (GRCh38, 1-based): chr1:237,614,188, A>C. VCF-style: chr1-237614188-A-C. GRCh37 (hg19) VCF-style: chr1-237777488-A-C.
Other names: short protein forms Y1687S.
Identifiers: ClinVar variation 1004930 (VCV001004930.11), dbSNP rs760479688, ClinGen allele CA086828.

ClinVar aggregate classification (germline): Uncertain significance. Review status: criteria provided, multiple submitters, no conflicts (2 of 4 stars). 2 submissions from 2 submitters: Uncertain significance (2). Last evaluated 2024-04-25.

Conditions:
Catecholaminergic polymorphic ventricular tachycardia 1. Also called: RYR2-Related Catecholaminergic Polymorphic Ventricular Tachycardia; VENTRICULAR TACHYCARDIA, CATECHOLAMINERGIC POLYMORPHIC, 1, WITH OR WITHOUT ATRIAL DYSFUNCTION AND/OR DILATED CARDIOMYOPATHY; VENTRICULAR TACHYCARDIA, STRESS-INDUCED POLYMORPHIC 1. Identifiers: Orphanet 3286, MedGen C1631597, MONDO:0011484, OMIM 604772.
Catecholaminergic polymorphic ventricular tachycardia (CVPT). Also called: Catecholamine-induced polymorphic ventricular tachycardia. Identifiers: Orphanet 3286, MedGen C5574922, MONDO:0017990.

Allele frequency attached by ClinVar (database versions not stated): ExAC 0.00001.
gnomAD v4.1: 1 of 1,614,012 alleles (0.000062%); highest among the groups gnomAD compares: Admixed American, 0.0017%; no homozygotes.

Submissions (2):

Labcorp Genetics (formerly Invitae), Labcorp
Classification: Uncertain significance for Catecholaminergic polymorphic ventricular tachycardia 1. Last evaluated: 2024-04-25. Review status: criteria provided, single submitter. Criteria: Invitae Variant Classification Sherloc (09022015). Collection method: clinical testing. Allele origin: germline.
Comment: This sequence change replaces tyrosine, which is neutral and polar, with serine, which is neutral and polar, at codon 1687 of the RYR2 protein (p.Tyr1687Ser). This variant is present in population databases (rs760479688, gnomAD 0.003%). This variant has not been reported in the literature in individuals affected with RYR2-related conditions. ClinVar contains an entry for this variant (Variation ID: 1004930). Advanced modeling of protein sequence and biophysical properties (such as structural, functional, and spatial information, amino acid conservation, physicochemical variation, residue mobility, and thermodynamic stability) performed at Invitae indicates that this missense variant is expected to disrupt RYR2 protein function with a positive predictive value of 95%. In summary, the available evidence is currently insufficient to determine the role of this variant in disease. Therefore, it has been classified as a Variant of Uncertain Significance.

All of Us Research Program, National Institutes of Health
Classification: Uncertain significance for Catecholaminergic polymorphic ventricular tachycardia. Last evaluated: 2023-10-06. Review status: criteria provided, single submitter. Criteria: ACMG Guidelines, 2015. Collection method: clinical testing. Allele origin: germline. Inheritance: Autosomal dominant inheritance. Observed: 2 variant alleles, 2 heterozygotes.
Comment: This missense variant replaces tyrosine with serine at codon 1687 of the RYR2 protein. Computational prediction suggests that this variant may have deleterious impact on protein structure and function (internally defined REVEL score threshold >= 0.7, PMID: 27666373). To our knowledge, functional studies have not been reported for this variant. This variant has not been reported in individuals affected with RYR2-related disorders in the literature. This variant has been identified in 1/249216 chromosomes in the general population by the Genome Aggregation Database (gnomAD). The available evidence is insufficient to determine the role of this variant in disease conclusively. Therefore, this variant is classified as a Variant of Uncertain Significance.

This study involves interpretation of variants in research participants for the purpose of population health screening. Participant phenotype was not available at the time of variant classification. Additional details can be found in publication PMID: 35346344, PMCID: PMC8962531